The following is an entry in ClinVar:

ClinVar aggregate classification (germline): Uncertain significance. Review status: criteria provided, multiple submitters, no conflicts (2 of 4 stars). 2 submissions from 2 submitters: Uncertain significance (2). Last evaluated 2025-04-01.

Conditions:
Inborn genetic diseases. Identifiers: MedGen C0950123, MeSH D030342.

Allele frequency attached by ClinVar (database versions not stated): gnomAD 0.00001; ExAC 0.00004; TOPMed 0.00004.
gnomAD v4.1: 44 of 1,544,268 alleles (0.0028%); highest among the groups gnomAD compares: Middle Eastern, 0.036%; no homozygotes.

Submissions (2):

Ambry Genetics
Classification: Uncertain significance for Inborn genetic diseases. Last evaluated: 2025-04-01. Review status: criteria provided, single submitter. Criteria: Ambry Variant Classification Scheme 2023. Collection method: clinical testing. Allele origin: germline.

CeGaT Center for Human Genetics Tuebingen
Classification: Uncertain significance. Last evaluated: 2022-12-01. Review status: criteria provided, single submitter. Criteria: CeGaT Center For Human Genetics Tuebingen Variant Classification Criteria Version 2. Collection method: clinical testing. Allele origin: germline. Affected: yes. Observed: 1 variant allele.
Comment: LAMA5: PM2, BP4

NM_005560.6(LAMA5):c.7537C>T (p.Arg2513Cys)

Gene: LAMA5 (laminin subunit alpha 5; minus strand). Cytogenetic location: 20q13.33.
Variant type: single nucleotide variant.
Coding change: c.7537C>T on transcript NM_005560.6 (MANE Select); coding-DNA position 7537, C replaced by T.
Protein change: p.Arg2513Cys; replaces arginine 2513 with cysteine.
Molecular consequence: missense variant.
Genome position (GRCh38, 1-based): chr20:62,316,998, G>A on the plus strand (C>T on the coding strand, the complement: LAMA5 is on the minus strand). VCF-style: chr20-62316998-G-A. GRCh37 (hg19) VCF-style: chr20-60892054-G-A.
Other names: short protein forms R2513C.
Identifiers: ClinVar variation 2355381 (VCV002355381.26), dbSNP rs762803716, ClinGen allele CA9941171.